The following is an entry in ClinVar:

NM_002900.3(RBP3):c.2194G>A (p.Ala732Thr)

Gene: RBP3 (retinol binding protein 3; plus strand). Cytogenetic location: 10q11.22.
Variant type: single nucleotide variant.
Coding change: c.2194G>A on transcript NM_002900.3 (MANE Select); coding-DNA position 2194, G replaced by A.
Protein change: p.Ala732Thr; replaces alanine 732 with threonine.
Molecular consequence: missense variant.
Genome position (GRCh38, 1-based): chr10:47,350,678, G>A. VCF-style: chr10-47350678-G-A. GRCh37 (hg19) VCF-style: chr10-48388684-C-T.
Other names: short protein forms A732T.
Identifiers: ClinVar variation 857639 (VCV000857639.8), dbSNP rs567973114, ClinGen allele CA5487338.
Genomic context (GRCh38, chr10:47,350,678, plus strand): 5'-GAAGCACCCCCACCACCCCCTGCTGTCCCCTCTCCAGAGGAGCTCACCTACCTTATTGAG[G>A]CCCTGTTCAAGACAGAGGTGCTGCCCGGCCAGCTGGGCTACCTGCGTTTTGACGCCATGG-3'
Protein context (NP_002891.1, residues 722-742): SPEELTYLIE[Ala732Thr]LFKTEVLPGQ

ClinVar aggregate classification (germline): Uncertain significance (1 of 4 stars; one submission).

Allele frequency attached by ClinVar (database versions not stated): gnomAD exomes 0.00001 and 0.00003; ExAC 0.00003; gnomAD 0.00009; TOPMed 0.00009; 1000 Genomes Project 0.00020; 1000 Genomes Project 30x 0.00047.
gnomAD v4.1: 31 of 1,613,050 alleles (0.0019%); highest among the groups gnomAD compares: African/African-American, 0.04%; no homozygotes.

Submission:

Labcorp Genetics (formerly Invitae), Labcorp
Classification: Uncertain significance. Last evaluated: 2023-07-17. Review status: criteria provided, single submitter. Criteria: Invitae Variant Classification Sherloc (09022015). Collection method: clinical testing. Allele origin: germline.
Comment: This sequence change replaces alanine, which is neutral and non-polar, with threonine, which is neutral and polar, at codon 732 of the RBP3 protein (p.Ala732Thr). This variant is present in population databases (rs567973114, gnomAD 0.05%). This missense change has been observed in individual(s) with retinitis pigmentosa (Invitae). ClinVar contains an entry for this variant (Variation ID: 857639). An algorithm developed to predict the effect of missense changes on protein structure and function (PolyPhen-2) suggests that this variant is likely to be disruptive. In summary, the available evidence is currently insufficient to determine the role of this variant in disease. Therefore, it has been classified as a Variant of Uncertain Significance.